The following is an entry in ClinVar:

NM_000052.7(ATP7A):c.4420C>G (p.Leu1474Val)

Gene: ATP7A (ATPase copper transporting alpha; plus strand). Cytogenetic location: Xq21.1.
Variant type: single nucleotide variant.
Coding change: c.4420C>G on transcript NM_000052.7 (MANE Select); coding-DNA position 4420, C replaced by G.
Protein change: p.Leu1474Val; replaces leucine 1474 with valine.
Molecular consequence: missense variant. On other transcripts: non-coding transcript variant (1).
Genome position (GRCh38, 1-based): chrX:78,046,487, C>G. VCF-style: chrX-78046487-C-G. GRCh37 (hg19) VCF-style: chrX-77301984-C-G.
Other names: chrX-78046487-C-G; p.Leu1474Val; c.4186C>G, p.Leu1396Val (NM_001282224.2); short protein forms L1396V, L1474V.
Identifiers: ClinVar variation 1299691 (VCV001299691.4), dbSNP rs2149114100, ClinGen allele CA413606381.

ClinVar aggregate classification (germline): Uncertain significance. Review status: criteria provided, multiple submitters, no conflicts (2 of 4 stars). 3 submissions from 3 submitters: Uncertain significance (3). Last evaluated 2025-09-29.

Conditions:
Menkes kinky-hair syndrome (MNK). Also called: Menkes Disease; Copper transport disease; Classic Menkes Disease. Identifiers: Orphanet 565, MedGen C0022716, MONDO:0010651, OMIM 309400.
Cutis laxa, X-linked (OHS). Also called: EDS IX; Occipital horn syndrome. Identifiers: Orphanet 198, MedGen C0268353, MONDO:0010572, OMIM 304150.
X-linked distal spinal muscular atrophy type 3. Also called: ATP7A-Related Distal Motor Neuropathy; SPINAL MUSCULAR ATROPHY, DISTAL, X-LINKED RECESSIVE; NEURONOPATHY, DISTAL HEREDITARY MOTOR, X-LINKED; NEUROPATHY, DISTAL HEREDITARY MOTOR, X-LINKED. Identifiers: Orphanet 139557, MedGen C1845359, MONDO:0010338, OMIM 300489.
Charcot-Marie-Tooth disease type 2. Also called: Charcot-Marie-Tooth type 2. Identifiers: Orphanet 64746, MedGen C0270914, MONDO:0018993.

gnomAD v4.1: 2 of 1,211,201 alleles (0.00017%); highest among the groups gnomAD compares: Non-Finnish European, 0.00022%; no homozygotes.

Submissions (3):

Labcorp Genetics (formerly Invitae), Labcorp
Classification: Uncertain significance for X-linked distal spinal muscular atrophy type 3; Cutis laxa, X-linked; Menkes kinky-hair syndrome. Last evaluated: 2025-09-29. Review status: criteria provided, single submitter. Criteria: Invitae Variant Classification Sherloc (09022015). Collection method: clinical testing. Allele origin: germline.
Comment: This sequence change replaces leucine, which is neutral and non-polar, with valine, which is neutral and non-polar, at codon 1474 of the ATP7A protein (p.Leu1474Val). This variant is not present in population databases (gnomAD no frequency). This variant has not been reported in the literature in individuals affected with ATP7A-related conditions. ClinVar contains an entry for this variant (Variation ID: 1299691). Invitae Evidence Modeling of protein sequence and biophysical properties (such as structural, functional, and spatial information, amino acid conservation, physicochemical variation, residue mobility, and thermodynamic stability) indicates that this missense variant is not expected to disrupt ATP7A protein function with a negative predictive value of 95%. In summary, the available evidence is currently insufficient to determine the role of this variant in disease. Therefore, it has been classified as a Variant of Uncertain Significance.

Dasa
Classification: Uncertain significance. Last evaluated: 2024-12-01. Review status: criteria provided, single submitter. Criteria: DASA Assertion Criteria. Collection method: clinical testing. Allele origin: germline.
Comment: NM_000052.7(ATP7A):c.4420C>G (p.Leu1474Val) is a missense variant that results in the substitution of leucine with valine. This variant is rare in population databases. Computational prediction algorithms are consistent with a benign effect. The currently available literature and clinical evidence are not sufficient to establish a definitive association between this variant and the reported condition. Therefore, this variant is classified as a variant of uncertain significance.

Laboratório de Neurologia Aplicada e Experimental, Faculdade de Medicina de Ribeirao Preto – Universidade de Sao Paulo
Classification: Uncertain significance for Charcot-Marie-Tooth disease type 2. Last evaluated: 2021-07-20. Review status: criteria provided, single submitter. Criteria: ACMG Guidelines, 2015. Collection method: research. Allele origin: germline. Inheritance: X-linked inheritance. Affected: yes. Observed: 2 variant alleles, 1 heterozygote, 1 hemizygote.
Comment: The c.4420C>G (p.Leu1474Val) variant in the ATP7A gene has not been described in the literature to our knowledge. This variant replaces Leucine with Valine at codon 1474 of the ATP7A protein that is highly conserved across different species. This variant is not present in population databases (GnomAD and ABraOM), suggesting it is not a common benign variant in these populations. In summary, the available evidence is insufficient to determine the clinical significance of this variant. Therefore, it has been classified as a variant of uncertain significance (VUS).

Literature cited by the submitters: PubMed 20170900 (cited by Laboratório de Neurologia Aplicada e Experimental, Faculdade de Medicina de Ribeirao Preto – Universidade de Sao Paulo); PubMed 28389643 (cited by Laboratório de Neurologia Aplicada e Experimental, Faculdade de Medicina de Ribeirao Preto – Universidade de Sao Paulo); PubMed 32294113 (cited by Laboratório de Neurologia Aplicada e Experimental, Faculdade de Medicina de Ribeirao Preto – Universidade de Sao Paulo).